The following is an entry in ClinVar:

NM_000254.3(MTR):c.2049_2058del (p.Glu684fs)

Gene: MTR (5-methyltetrahydrofolate-homocysteine methyltransferase; plus strand). Cytogenetic location: 1q43.
Variant type: Deletion.
Coding change: c.2049_2058del on transcript NM_000254.3 (MANE Select); coding-DNA positions 2049 to 2058, 10 bases deleted (TGAAAAACAT; older notation c.2049_2058delTGAAAAACAT).
Protein change: p.Glu684fs; shifts the reading frame from glutamic acid 684.
Molecular consequence: frameshift variant. On other transcripts: intron variant (1).
Genome position (GRCh38, 1-based): chr1:236,861,130-236,861,139, TGAAAAACAT deleted; deleting any 10 consecutive bases within chr1:236,861,127-236,861,139 gives the same sequence; the c. name uses the placement nearest the transcript's 3' end. VCF-style (leftmost placement, unchanged base first): chr1-236861126-GCATTGAAAAA-G. GRCh37 (hg19) VCF-style: chr1-237024426-GCATTGAAAAA-G.
Other names: c.828_837del, p.Glu277fs (NM_001291940.2); c.2049_2058del, p.Glu684fs (NM_001410942.1); c.2044-1106_2044-1097del (NM_001291939.1); short protein forms E277fs, E684fs.
Identifiers: ClinVar variation 3645491 (VCV003645491.2).
Genomic context (GRCh38, chr1:236,861,126, plus strand): 5'-TAGGTGATTTTTTTTTTCTTTCTTTCTTTTTCTTTTTTTTTTTTTTTTGTCTTTTTTAGG[GCATTGAAAAA>G]CATATTATTGAGGATACTGAGGAAGCCAGGTTAAACCAAAAAAAATATCCCCGACCTCTC-3'

ClinVar aggregate classification (germline): Pathogenic (1 of 4 stars; one submission).

Conditions:
Methylcobalamin deficiency type cblG (HMAG). Also called: HOMOCYSTINURIA-MEGALOBLASTIC ANEMIA, cblG COMPLEMENTATION TYPE; HOMOCYSTINURIA-MEGALOBLASTIC ANEMIA DUE TO DEFECT IN COBALAMIN METABOLISM, cblG COMPLEMENTATION TYPE; Functional methionine synthase deficiency type cblG; HOMOCYSTINURIA-MEGALOBLASTIC ANEMIA, cblG TYPE. Identifiers: Orphanet 2170, Orphanet 622, MedGen C1855128, MONDO:0009609, OMIM 250940.

Submission:

Labcorp Genetics (formerly Invitae), Labcorp
Classification: Pathogenic for Methylcobalamin deficiency type cblG. Last evaluated: 2024-03-12. Review status: criteria provided, single submitter. Criteria: Invitae Variant Classification Sherloc (09022015). Collection method: clinical testing. Allele origin: germline.
Comment: This sequence change creates a premature translational stop signal (p.Glu684Leufs*10) in the MTR gene. It is expected to result in an absent or disrupted protein product. Loss-of-function variants in MTR are known to be pathogenic (PMID: 9683607, 12068375). This variant is not present in population databases (gnomAD no frequency). This variant has not been reported in the literature in individuals affected with MTR-related conditions. For these reasons, this variant has been classified as Pathogenic.

Literature cited by the submitters: PubMed 9683607; PubMed 12068375.